The following is an entry in ClinVar:

NM_000245.4(MET):c.3387C>T (p.Ile1129=)

Gene: MET (MET proto-oncogene, receptor tyrosine kinase; plus strand). Cytogenetic location: 7q31.2.
Variant type: single nucleotide variant.
Coding change: c.3387C>T on transcript NM_000245.4 (MANE Select); coding-DNA position 3387, C replaced by T.
Protein change: p.Ile1129=; no amino-acid change (isoleucine 1129 retained).
Molecular consequence: synonymous variant.
Genome position (GRCh38, 1-based): chr7:116,778,822, C>T. VCF-style: chr7-116778822-C-T. GRCh37 (hg19) VCF-style: chr7-116418876-C-T.
Other names: c.3441C>T, p.Ile1147= (NM_001127500.3); c.2097C>T, p.Ile699= (NM_001324402.2).
Identifiers: ClinVar variation 2867493 (VCV002867493.5), dbSNP rs371927164, ClinGen allele CA457218756.

ClinVar aggregate classification (germline): Conflicting classifications of pathogenicity. Review status: criteria provided, conflicting classifications (1 of 4 stars). 3 submissions from 3 submitters: Uncertain significance (1); Benign (1); Likely benign (1). Last evaluated 2025-09-04.

Conditions:
Papillary renal cell carcinoma type 1 (RCCP1). Also called: RENAL CELL CARCINOMA, PAPILLARY, 1, SOMATIC; Renal adenocarcinoma; Renal cell carcinoma 1; Renal cell carcinoma, somatic. Identifiers: Orphanet 47044, MedGen C1336839, OMIM 605074, HP:0011797.
Renal cell carcinoma. Identifiers: Orphanet 217071, MedGen C0007134, MeSH D002292, MONDO:0005086, HP:0005584.
Hereditary cancer-predisposing syndrome. Also called: Neoplastic Syndromes, Hereditary; Hereditary Cancer Syndrome; Hereditary neoplastic syndrome; Tumor predisposition. Identifiers: Orphanet 140162, MedGen C0027672, MeSH D009386, MONDO:0015356.

Submissions (3):

Ambry Genetics
Classification: Uncertain significance for Hereditary cancer-predisposing syndrome. Last evaluated: 2025-09-04. Review status: criteria provided, single submitter. Criteria: Ambry Variant Classification Scheme 2023. Collection method: clinical testing. Allele origin: germline.
Comment: The c.3441C>T variant (also known as p.I1147I), located in coding exon 16 of the MET gene, results from a C to T substitution at nucleotide position 3441. This nucleotide substitution does not change the amino acid at codon 1147. This nucleotide position is well conserved in available vertebrate species. In silico splice site analysis for this alteration is inconclusive. Based on the available evidence, the clinical significance of this variant remains unclear.

Myriad Genetics, Inc.
Classification: Benign for Papillary renal cell carcinoma type 1. Last evaluated: 2024-11-13. Review status: criteria provided, single submitter. Criteria: Myriad Autosomal Dominant, Autosomal Recessive and X-Linked Classification Criteria (2023). Collection method: clinical testing. Allele origin: unknown.
Comment: This variant is considered benign. This variant is a silent/synonymous amino acid change and it is not expected to impact splicing.

Labcorp Genetics (formerly Invitae), Labcorp
Classification: Likely benign for Renal cell carcinoma. Last evaluated: 2023-01-08. Review status: criteria provided, single submitter. Criteria: Invitae Variant Classification Sherloc (09022015). Collection method: clinical testing. Allele origin: germline.